The following is an entry in ClinVar:

NM_005592.4(MUSK):c.2213T>C (p.Val738Ala)

Gene: MUSK (muscle associated receptor tyrosine kinase; plus strand). Cytogenetic location: 9q31.3.
Variant type: single nucleotide variant.
Coding change: c.2213T>C on transcript NM_005592.4 (MANE Select); coding-DNA position 2213, T replaced by C.
Protein change: p.Val738Ala; replaces valine 738 with alanine.
Molecular consequence: missense variant.
Genome position (GRCh38, 1-based): chr9:110,800,591, T>C. VCF-style: chr9-110800591-T-C. GRCh37 (hg19) VCF-style: chr9-113562871-T-C.
Other names: c.1955T>C, p.Val652Ala (NM_001166280.2); c.1925T>C, p.Val642Ala (NM_001166281.2); c.953T>C, p.Val318Ala (NM_001369398.1); short protein forms V642A, V652A, V738A, V318A.
Identifiers: ClinVar variation 1960068 (VCV001960068.2), dbSNP rs774327095, ClinGen allele CA5184584.

ClinVar aggregate classification (germline): Uncertain significance (1 of 4 stars; one submission).

Conditions:
Congenital myasthenic syndrome 9. Also called: Myasthenic syndrome, congenital, 9, associated with acetylcholine receptor deficiency. Identifiers: Orphanet 590, MedGen C4225368, MONDO:0014587, OMIM 616325.
Fetal akinesia deformation sequence 1 (FADS1). Also called: Pena-Shokeir syndrome type I; Fetal akinesia sequence. Identifiers: Orphanet 994, MedGen C1276035, MONDO:0100101, OMIM 208150, HP:0001989.

Allele frequency attached by ClinVar (database versions not stated): gnomAD exomes below 0.00001; ExAC 0.00001; gnomAD 0.00001.
gnomAD v4.1: 2 of 1,612,712 alleles (0.00012%); highest among the groups gnomAD compares: East Asian, 0.0045%; no homozygotes.

Submission:

Labcorp Genetics (formerly Invitae), Labcorp
Classification: Uncertain significance for Congenital myasthenic syndrome 9; Fetal akinesia deformation sequence 1. Last evaluated: 2022-05-04. Review status: criteria provided, single submitter. Criteria: Invitae Variant Classification Sherloc (09022015). Collection method: clinical testing. Allele origin: germline.
Comment: This sequence change replaces valine, which is neutral and non-polar, with alanine, which is neutral and non-polar, at codon 738 of the MUSK protein (p.Val738Ala). This variant is present in population databases (rs774327095, gnomAD 0.02%). This variant has not been reported in the literature in individuals affected with MUSK-related conditions. Advanced modeling of protein sequence and biophysical properties (such as structural, functional, and spatial information, amino acid conservation, physicochemical variation, residue mobility, and thermodynamic stability) performed at Invitae indicates that this missense variant is not expected to disrupt MUSK protein function. In summary, the available evidence is currently insufficient to determine the role of this variant in disease. Therefore, it has been classified as a Variant of Uncertain Significance.